The following is an entry in ClinVar:

ClinVar aggregate classification (germline): Pathogenic (1 of 4 stars; one submission).

Submission:

GeneDx
Classification: Pathogenic. Last evaluated: 2024-08-23. Review status: criteria provided, single submitter. Criteria: GeneDx Variant Classification Process June 2021. Collection method: clinical testing. Allele origin: germline. Affected: yes.
Comment: Canonical splice site variant predicted to result in a null allele in a gene for which loss of function is a known mechanism of disease; Not observed at significant frequency in large population cohorts (gnomAD); This variant is associated with the following publications: (PMID: 33060286)

NM_018684.4(ZC4H2):c.53+1G>A

Gene: ZC4H2 (zinc finger C4H2-type containing; minus strand). Cytogenetic location: Xq11.2.
Variant type: single nucleotide variant.
Coding change: c.53+1G>A on transcript NM_018684.4 (MANE Select); the canonical splice donor site of the intron after coding-DNA position 53, G replaced by A.
Molecular consequence: splice donor variant. On other transcripts: intron variant (2).
Genome position (GRCh38, 1-based): chrX:64,976,324, C>T on the plus strand (G>A on the coding strand, the complement: ZC4H2 is on the minus strand). VCF-style: chrX-64976324-C-T. GRCh37 (hg19) VCF-style: chrX-64196204-C-T.
Other names: c.-16-54336G>A (NM_001243804.2); c.-271-54081G>A (NM_001178032.3); c.53+1G>A (NM_001178033.3).
Identifiers: ClinVar variation 3764193 (VCV003764193.1).
Genomic context (GRCh38, chrX:64,976,324, plus strand): 5'-TAGCCCTCTCCCGCAACGAAGGGTTGGAGAGGGGCGGGGAGGGGGACAACGTGCCACTTA[C>T]CTGATCTCTTTAATGCTTTCCAATTTGCACATGATTTCTTGCTCATCTGCCATACTTTTC-3'